The following is an entry in ClinVar:

ClinVar aggregate classification (germline): Uncertain significance (1 of 4 stars; one submission).

Conditions:
Tuberous sclerosis 1 (TSC1). Identifiers: Orphanet 805, MedGen C1854465, MONDO:0008612, OMIM 191100.

Submission:

Labcorp Genetics (formerly Invitae), Labcorp
Classification: Uncertain significance for Tuberous sclerosis 1. Last evaluated: 2023-10-03. Review status: criteria provided, single submitter. Criteria: Invitae Variant Classification Sherloc (09022015). Collection method: clinical testing. Allele origin: germline.
Comment: This sequence change falls in intron 7 of the TSC1 gene. It does not directly change the encoded amino acid sequence of the TSC1 protein. This variant is not present in population databases (gnomAD no frequency). This variant has not been reported in the literature in individuals affected with TSC1-related conditions. ClinVar contains an entry for this variant (Variation ID: 2006678). Algorithms developed to predict the effect of sequence changes on RNA splicing suggest that this variant may disrupt the consensus splice site. In summary, the available evidence is currently insufficient to determine the role of this variant in disease. Therefore, it has been classified as a Variant of Uncertain Significance.

NM_000368.5(TSC1):c.664-14C>G

Gene: TSC1 (TSC complex subunit 1; minus strand). Cytogenetic location: 9q34.13.
Variant type: single nucleotide variant.
Coding change: c.664-14C>G on transcript NM_000368.5 (MANE Select); 14 bases into the intron before coding-DNA position 664, C replaced by G.
Molecular consequence: intron variant.
Genome position (GRCh38, 1-based): chr9:132,921,450, G>C on the plus strand (C>G on the coding strand, the complement: TSC1 is on the minus strand). VCF-style: chr9-132921450-G-C. GRCh37 (hg19) VCF-style: chr9-135796837-G-C.
Other names: c.301-14C>G (NM_001362177.2); c.511-14C>G (NM_001162427.2); c.664-14C>G (NM_001162426.2).
Identifiers: ClinVar variation 2006678 (VCV002006678.4), dbSNP rs2538999115, ClinGen allele CA1139771718.
Genomic context (GRCh38, chr9:132,921,450, plus strand): 5'-GATCCAGTCACTAATTCCGGATGAATTCGCACATGCTCCATCATTGGCTAGAAGAGTTGG[G>C]TTGACAAATTATAAAGGGCTGAATGTTTGTGGAACATCCAAATGATGGAATATTAGTTGA-3'